The following is an entry in ClinVar:

ClinVar aggregate classification (germline): Uncertain significance (0 of 4 stars; one submission).

Conditions:
IFT74-related disorder. Also called: IFT74-related condition; IFT74-Related Disorders.

Submission:

PreventionGenetics, part of Exact Sciences
Classification: Uncertain significance for IFT74-related condition. Last evaluated: 2024-07-10. Review status: no assertion criteria provided. Collection method: clinical testing. Allele origin: germline.
Comment: The IFT74 c.549A>C variant is predicted to result in the amino acid substitution p.Glu183Asp. To our knowledge, this variant has not been reported in the literature or in a large population database, indicating this variant is rare. At this time, the clinical significance of this variant is uncertain due to the absence of conclusive functional and genetic evidence.

NM_025103.4(IFT74):c.549A>C (p.Glu183Asp)

Gene: IFT74 (intraflagellar transport 74; plus strand). Cytogenetic location: 9p21.2.
Variant type: single nucleotide variant.
Coding change: c.549A>C on transcript NM_025103.4 (MANE Select); coding-DNA position 549, A replaced by C.
Protein change: p.Glu183Asp; replaces glutamic acid 183 with aspartic acid.
Molecular consequence: missense variant.
Genome position (GRCh38, 1-based): chr9:26,990,157, A>C. VCF-style: chr9-26990157-A-C. GRCh37 (hg19) VCF-style: chr9-26990155-A-C.
Other names: c.549A>C, p.Glu183Asp (NM_001099222.3, NM_001099223.3, NM_001099224.3 and 1 more transcripts); short protein forms E183D.
Identifiers: ClinVar variation 3344064 (VCV003344064.1).